The following is an entry in ClinVar:

ClinVar aggregate classification (germline): Conflicting classifications of pathogenicity. Review status: criteria provided, conflicting classifications (1 of 4 stars). 3 submissions from 3 submitters: Uncertain significance (2); Benign (1). Last evaluated 2026-01-14.

Conditions:
Hereditary cancer-predisposing syndrome. Also called: Hereditary neoplastic syndrome; Neoplastic Syndromes, Hereditary; Tumor predisposition; Hereditary Cancer Syndrome. Identifiers: Orphanet 140162, MedGen C0027672, MeSH D009386, MONDO:0015356.
Tuberous sclerosis syndrome (TSC). Also called: Tuberous Sclerosis Complex; Tuberous sclerosis. Identifiers: Orphanet 805, MedGen C0041341, MONDO:0001734.
Tuberous sclerosis 2 (TSC2). Identifiers: Orphanet 805, MedGen C1860707, MONDO:0013199, OMIM 613254.

gnomAD v4.1: 4 of 1,613,592 alleles (0.00025%); highest among the groups gnomAD compares: African/African-American, 0.0013%; no homozygotes.

Submissions (3):

Labcorp Genetics (formerly Invitae), Labcorp
Classification: Benign for Tuberous sclerosis 2. Last evaluated: 2026-01-14. Review status: criteria provided, single submitter. Criteria: Invitae Variant Classification Sherloc (09022015). Collection method: clinical testing. Allele origin: germline.

Ambry Genetics
Classification: Uncertain significance for Hereditary cancer-predisposing syndrome. Last evaluated: 2024-05-04. Review status: criteria provided, single submitter. Criteria: Ambry Variant Classification Scheme 2023. Collection method: clinical testing. Allele origin: germline.
Comment: The p.V564I variant (also known as c.1690G>A), located in coding exon 15 of the TSC2 gene, results from a G to A substitution at nucleotide position 1690. The valine at codon 564 is replaced by isoleucine, an amino acid with highly similar properties. This amino acid position is conserved. In addition, the in silico prediction for this alteration is inconclusive. Since supporting evidence is limited at this time, the clinical significance of this alteration remains unclear.

All of Us Research Program, National Institutes of Health
Classification: Uncertain significance for Tuberous sclerosis syndrome. Last evaluated: 2023-12-18. Review status: criteria provided, single submitter. Criteria: ACMG Guidelines, 2015. Collection method: clinical testing. Allele origin: germline. Inheritance: Autosomal dominant inheritance. Observed: 2 variant alleles, 2 heterozygotes.
Comment: This missense variant replaces valine with isoleucine at codon 564 of the TSC2 protein. Computational prediction is inconclusive regarding the impact of this variant on protein structure and function (internally defined REVEL score threshold 0.5 < inconclusive < 0.7, PMID: 27666373). To our knowledge, functional studies have not been reported for this variant. This variant has not been reported in individuals affected with TSC2-related disorders in the literature. This variant has been identified in 3/250684 chromosomes in the general population by the Genome Aggregation Database (gnomAD). The available evidence is insufficient to determine the role of this variant in disease conclusively. Therefore, this variant is classified as a Variant of Uncertain Significance.

This study involves interpretation of variants in research participants for the purpose of population health screening. Participant phenotype was not available at the time of variant classification. Additional details can be found in publication PMID: 35346344, PMCID: PMC8962531

NM_000548.5(TSC2):c.1690G>A (p.Val564Ile)

Gene: TSC2 (TSC complex subunit 2; plus strand). Cytogenetic location: 16p13.3.
Variant type: single nucleotide variant.
Coding change: c.1690G>A on transcript NM_000548.5 (MANE Select); coding-DNA position 1690, G replaced by A.
Protein change: p.Val564Ile; replaces valine 564 with isoleucine.
Molecular consequence: missense variant.
Genome position (GRCh38, 1-based): chr16:2,065,609, G>A. VCF-style: chr16-2065609-G-A. GRCh37 (hg19) VCF-style: chr16-2115610-G-A.
Other names: c.1690G>A, p.Val564Ile (NM_001077183.3, NM_001114382.3, NM_001363528.2 and 3 more transcripts); c.1579G>A, p.Val527Ile (NM_001318827.2); c.1543G>A, p.Val515Ile (NM_001318829.2); c.1090G>A, p.Val364Ile (NM_001318831.2); c.1723G>A, p.Val575Ile (NM_001318832.2); short protein forms V564I, V527I, V364I, V575I, V515I.
Identifiers: ClinVar variation 467890 (VCV000467890.13), dbSNP rs147072281, ClinGen allele CA032290.